The following is an entry in ClinVar:

ClinVar aggregate classification (germline): Uncertain significance (1 of 4 stars; one submission).

Conditions:
Cardiovascular phenotype. Identifiers: MedGen CN230736.

Allele frequency attached by ClinVar (database versions not stated): gnomAD 0.00001; gnomAD exomes 0.00001; TOPMed 0.00001.
gnomAD v4.1: 21 of 1,613,522 alleles (0.0013%); highest among the groups gnomAD compares: Admixed American, 0.005%; no homozygotes.

Submission:

Ambry Genetics
Classification: Uncertain significance for Cardiovascular phenotype. Last evaluated: 2025-08-07. Review status: criteria provided, single submitter. Criteria: Ambry Variant Classification Scheme 2023. Collection method: clinical testing. Allele origin: germline.
Comment: The c.591+5G>C intronic variant results from a G to C substitution 5 nucleotides after coding exon 7 in the TXNRD2 gene. This nucleotide position is well conserved in available vertebrate species. In silico splice site analysis predicts that this alteration will weaken the native splice donor site. The evidence for this gene-disease relationship is limited; therefore, the clinical significance of this alteration is unclear.

NM_006440.5(TXNRD2):c.591+5G>C

Gene: TXNRD2 (thioredoxin reductase 2; minus strand). Cytogenetic location: 22q11.21.
Variant type: single nucleotide variant.
Coding change: c.591+5G>C on transcript NM_006440.5 (MANE Select); 5 bases into the intron after coding-DNA position 591, G replaced by C.
Molecular consequence: intron variant.
Genome position (GRCh38, 1-based): chr22:19,915,209, C>G on the plus strand (G>C on the coding strand, the complement: TXNRD2 is on the minus strand). VCF-style: chr22-19915209-C-G. GRCh37 (hg19) VCF-style: chr22-19902732-C-G.
Other names: c.588+5G>C (NM_001352300.2); c.303+5G>C (NM_001352302.2); c.501+5G>C (NM_001352301.2); c.591+5G>C (NM_001282512.3); c.495+5G>C (NM_001352303.2).
Identifiers: ClinVar variation 1750451 (VCV001750451.3), dbSNP rs947152207, ClinGen allele CA322105157.